The following is an entry in ClinVar:

ClinVar aggregate classification (germline): Pathogenic (1 of 4 stars; one submission).

Conditions:
Primary ciliary dyskinesia. Also called: Ciliary dyskinesia. Identifiers: Orphanet 244, MedGen C0008780, MONDO:0016575, HP:0012265.

Submission:

Labcorp Genetics (formerly Invitae), Labcorp
Classification: Pathogenic for Primary ciliary dyskinesia. Last evaluated: 2025-02-18. Review status: criteria provided, single submitter. Criteria: Invitae Variant Classification Sherloc (09022015). Collection method: clinical testing. Allele origin: germline.
Comment: This sequence change results in a frameshift in the DNAH11 gene (p.Lys4501Argfs*21). While this is not anticipated to result in nonsense mediated decay, it is expected to disrupt the last 16 amino acid(s) of the DNAH11 protein and extend the protein by 4 additional amino acid residues. This variant is not present in population databases (gnomAD no frequency). This variant has not been reported in the literature in individuals affected with DNAH11-related conditions. This variant disrupts a region of the DNAH11 protein in which other variant(s) (p.Trp4505Serfs*10) have been determined to be pathogenic (internal data). This suggests that this is a clinically significant region of the protein, and that variants that disrupt it are likely to be disease-causing. For these reasons, this variant has been classified as Pathogenic.

NM_001277115.2(DNAH11):c.13494_13500dup (p.Lys4501fs)

Genes: CDCA7L (cell division cycle associated 7 like; minus strand), DNAH11 (dynein axonemal heavy chain 11; plus strand). Cytogenetic location: 7p15.3.
Variant type: Duplication.
Coding change: c.13494_13500dup on transcript NM_001277115.2 (MANE Select); coding-DNA positions 13494 to 13500, 7 bases duplicated (CGAAGAG; older notation c.13494_13500dupCGAAGAG).
Protein change: p.Lys4501fs; shifts the reading frame from lysine 4501.
Molecular consequence: frameshift variant. On other transcripts: 3 prime UTR variant (3).
Genome position (GRCh38, 1-based): chr7:21,901,197-21,901,203, CGAAGAG duplicated; duplicating any 7 consecutive bases within chr7:21,901,191-21,901,203 gives the same sequence; the c. name uses the placement nearest the transcript's 3' end. VCF-style (leftmost placement, unchanged base first): chr7-21901190-T-TGAAGAGC. GRCh37 (hg19) VCF-style: chr7-21940808-T-TGAAGAGC.
Other names: c.*1125_*1131dup (NM_001127370.3, NM_001127371.3, NM_018719.5); short protein forms K4501fs.
Identifiers: ClinVar variation 4713371 (VCV004713371.1).